The following is an entry in ClinVar:

ClinVar aggregate classification (germline): Uncertain significance. Review status: criteria provided, multiple submitters, no conflicts (2 of 4 stars). 2 submissions from 2 submitters: Uncertain significance (2). Last evaluated 2022-12-27.

Conditions:
Thrombus. Identifiers: MedGen C0087086, MeSH D013927.

Allele frequency attached by ClinVar (database versions not stated): ExAC 0.00003; gnomAD 0.00003; gnomAD exomes 0.00003; TOPMed 0.00004.

Submissions (2):

Ambry Genetics
Classification: Uncertain significance. Last evaluated: 2022-12-27. Review status: criteria provided, single submitter. Criteria: Ambry Variant Classification Scheme 2023. Collection method: clinical testing. Allele origin: germline.

ISTH-SSC Genomics in Thrombosis and Hemostasis, KU Leuven, Center for Molecular and Vascular Biology
Classification: Uncertain significance for Thrombus. Review status: criteria provided, single submitter. Criteria: ACMG Guidelines, 2015. Collection method: clinical testing. Allele origin: germline. Affected: yes. Observed: 1 heterozygote.
Comment: Submitted to GoldVariant by Kathleen Freson, Center for Molecular and Vascular Biology, Leuven, Belgium

NM_001102416.3(KNG1):c.162T>G (p.Phe54Leu)

Gene: KNG1 (kininogen 1; plus strand). Cytogenetic location: 3q27.3.
Variant type: single nucleotide variant.
Coding change: c.162T>G on transcript NM_001102416.3 (MANE Select); coding-DNA position 162, T replaced by G.
Protein change: p.Phe54Leu; replaces phenylalanine 54 with leucine.
Molecular consequence: missense variant.
Genome position (GRCh38, 1-based): chr3:186,717,704, T>G. VCF-style: chr3-186717704-T-G. GRCh37 (hg19) VCF-style: chr3-186435493-T-G.
Other names: c.162T>G, p.Phe54Leu (NM_001166451.2, NM_000893.4); c.162T>G (NM_001102416.2); short protein forms F54L.
Identifiers: ClinVar variation 1703771 (VCV001703771.2), dbSNP rs755247533, ClinGen allele CA2746021.